The following is an entry in ClinVar:

ClinVar aggregate classification (germline): Conflicting classifications of pathogenicity. Review status: criteria provided, conflicting classifications (1 of 4 stars). 17 submissions from 17 submitters: Pathogenic (9); Likely pathogenic (4); Uncertain significance (2). 2 of the submissions do not count toward it. Last evaluated 2026-04-28.

Conditions:
Inborn genetic diseases. Identifiers: MedGen C0950123, MeSH D030342.
Complex cortical dysplasia with other brain malformations 5. Identifiers: MedGen C3810407, MONDO:0014337, OMIM 615763.

Allele frequency attached by ClinVar (database versions not stated): ExAC 0.00026; gnomAD exomes 0.00003.

Submissions (17):

Wales Gene Park, Division Of Cancer and Genetics, Cardiff University
Classification: Likely pathogenic for Complex cortical dysplasia with other brain malformations 5. Last evaluated: 2026-04-28. Review status: criteria provided, single submitter. Criteria: ACGS Best Practice Guidelines for Variant Classification in Rare Disease 2024. Collection method: research. Allele origin: de novo. Inheritance: Autosomal dominant inheritance. Affected: yes. Study: 100,000 Genomes Project (Wales).
Comment: De novo TUBB2A missense variant detected by trio genome sequencing. Not in gnomAD (v4.1.1). REVEL score 0.865. Constrained gene (gnomAD missense Z score 8.99). Evidence codes: PM2, PP2, PP3, PS2_strong.

3billion
Classification: Pathogenic for Complex cortical dysplasia with other brain malformations 5. Last evaluated: 2026-01-15. Review status: criteria provided, single submitter. Criteria: ACMG Guidelines, 2015. Collection method: clinical testing. Allele origin: germline. Affected: yes.
Comment: The variant is observed in the gnomAD v4.1.0 dataset (total allele frequency: 0.027%). Predicted Consequence/Location: Missense variant. Missense changes are a common disease-causing mechanism. In silico tool predictions suggest damaging effect of the variant on gene or gene product [REVEL: 0.86 (>=0.6, sensitivity 0.68 and specificity 0.92); 3Cnet: 0.99 (> 0.75, sensitivity 0.96 and precision 0.92)]. The same nucleotide change resulting in the same amino acid change has been previously reported as pathogenic/likely pathogenic with strong evidence (ClinVar ID: VCV000127101 /PMID: 24702957 /3billion dataset). The variant has been previously reported as assumed (i.e. paternity and maternity not confirmed) de novo in at least two similarly affected unrelated individuals (PMID: 24702957, 28840640). Therefore, this variant is classified as Pathogenic according to the recommendation of ACMG/AMP guideline.

Dasa
Classification: Likely pathogenic. Last evaluated: 2025-12-28. Review status: criteria provided, single submitter. Criteria: DASA Assertion Criteria. Collection method: clinical testing. Allele origin: germline.
Comment: NM_001069.3(TUBB2A):c.743C>T (p.Ala248Val) is a missense variant that results in the substitution of alanine with valine. This variant has been recurrently observed in individuals with TUBB2A-related disorders (PMID: 24702957; PMID: 32203252; PMID: 29547997). This variant has been reported as a de novo occurrence in an affected individual (PMID: 24702957; PMID: 32203252; PMID: 29547997). Functional evidence supports an impact on the gene or gene product (PMID: 24702957; PMID: 32203252; PMID: 29547997). Also, this variant is absent from population databases. Computational evidence supports a deleterious effect. Based on the currently available evidence, this variant is classified as likely pathogenic.

Labcorp Genetics (formerly Invitae), Labcorp
Classification: Pathogenic. Last evaluated: 2025-12-09. Review status: criteria provided, single submitter. Criteria: Invitae Variant Classification Sherloc (09022015). Collection method: clinical testing. Allele origin: germline.
Comment: This sequence change replaces alanine, which is neutral and non-polar, with valine, which is neutral and non-polar, at codon 248 of the TUBB2A protein (p.Ala248Val). The frequency data for this variant in the population databases is considered unreliable, as metrics indicate poor data quality at this position in the gnomAD database. This missense change has been observed in individual(s) with TUBB2A-related conditions (PMID: 24702957, 27770045, 32203252, 32571897; internal data). In at least one individual the variant was observed to be de novo. ClinVar contains an entry for this variant (Variation ID: 127101). Invitae Evidence Modeling of protein sequence and biophysical properties (such as structural, functional, and spatial information, amino acid conservation, physicochemical variation, residue mobility, and thermodynamic stability) has been performed for this missense variant. However, the output from this modeling did not meet the statistical confidence thresholds required to predict the impact of this variant on TUBB2A protein function. Experimental studies have shown that this missense change affects TUBB2A function (PMID: 24702957, 29547997). For these reasons, this variant has been classified as Pathogenic.

Genomic Medicine Center of Excellence, King Faisal Specialist Hospital and Research Centre
Classification: Uncertain significance for Complex cortical dysplasia with other brain malformations 5. Last evaluated: 2024-04-04. Review status: criteria provided, single submitter. Criteria: ACMG Guidelines, 2015. Collection method: clinical testing. Allele origin: germline.

Victorian Clinical Genetics Services, Murdoch Childrens Research Institute
Classification: Pathogenic for Complex cortical dysplasia with other brain malformations 5. Last evaluated: 2023-07-17. Review status: criteria provided, single submitter. Criteria: ACMG Guidelines, 2015. Collection method: clinical testing. Allele origin: germline. Inheritance: Autosomal dominant inheritance. Affected: yes.
Comment: Based on the classification scheme VCGS_Germline_v1.3.4, this variant is classified as Pathogenic. Following criteria are met: 0104 - Dominant negative is a likely mechanism of disease in this gene and is associated with cortical dysplasia, complex, with other brain malformations 5, (MIM#615763). Functional studies have shown missense variants to cause weakened incorporation into cytoskeleton, and potentially impaired heterodimer formation indicating loss of function. However, the mutational spectrum is more suggestive of a dominant negative mechanism (PMID: 24702957). (I) 0107 - This gene is associated with autosomal dominant disease. (I) 0200 - Variant is predicted to result in a missense amino acid change from alanine to valine. (I) 0251 - This variant is heterozygous. (I) 0302 - Variant is present in gnomAD (v3) <0.001 for a dominant condition (400 heterozygotes, 0 homozygotes). However, most of these are likely sequencing artefacts. The remaining were observed in individuals with a neurodevelopmental disorder (PMID: 33547136). (SP) 0309 - An alternative amino acid change at the same position has been observed in gnomAD (v3) (1 heterozygote, 0 homozygotes). (I) 0502 - Missense variant with conflicting in silico predictions and uninformative conservation. (I) 0603 - Missense variant in a region that is highly intolerant to missense variation (high constraint region in DECIPHER). (SP) 0801 - This variant has strong previous evidence of pathogenicity in unrelated individuals. This variant has been reported once each as a VUS and likely benign; however, the majority of submissions are pathogenic and likely pathogenic (ClinVar). It has also been observed multiple times as de novo in individuals with simplified gyral patterning and infantile-onset epilepsy (PMID: 24702957, PMID: 32203252). (SP) Legend: (SP) - Supporting pathogenic, (I) - Information, (SB) - Supporting benign

Laboratoire de Génétique Moléculaire, CHU Bordeaux
Classification: Pathogenic for Complex cortical dysplasia with other brain malformations 5. Last evaluated: 2023-05-04. Review status: criteria provided, single submitter. Criteria: ACMG Guidelines, 2015. Collection method: clinical testing. Allele origin: germline. Affected: yes.

Institute of Medical Genetics and Applied Genomics, University Hospital Tübingen
Classification: Likely pathogenic for Complex cortical dysplasia with other brain malformations 5. Last evaluated: 2022-12-08. Review status: criteria provided, single submitter. Criteria: ACMG Guidelines, 2015. Collection method: clinical testing. Allele origin: germline. Inheritance: Autosomal dominant inheritance. Affected: yes.

Mendelics
Classification: Pathogenic for Complex cortical dysplasia with other brain malformations 5. Last evaluated: 2022-05-27. Review status: criteria provided, single submitter. Criteria: Mendelics Assertion Criteria 2017. Collection method: clinical testing. Allele origin: unknown.

Institute for Clinical Genetics, University Hospital TU Dresden, University Hospital TU Dresden
Classification: Pathogenic. Last evaluated: 2021-11-03. Review status: criteria provided, single submitter. Criteria: ACMG Guidelines, 2015. Collection method: clinical testing. Allele origin: germline.

GeneDx
Classification: Pathogenic. Last evaluated: 2021-10-27. Review status: criteria provided, single submitter. Criteria: GeneDx Variant Classification Process June 2021. Collection method: clinical testing. Allele origin: germline. Affected: yes.
Comment: Published functional studies demonstrate that this variant has a reduced rate of heterodimer incorporation into the in vitro cytoskeleton network in comparison with wild type-expressing cells (Cushion et al., 2014); In silico analysis, which includes protein predictors and evolutionary conservation, supports a deleterious effect; This variant is associated with the following publications: (PMID: 26934450, 24702957, 27770045, 32203252, 32571897)

Ambry Genetics
Classification: Uncertain significance for Inborn genetic diseases. Last evaluated: 2021-04-28. Review status: criteria provided, single submitter. Criteria: Ambry Variant Classification Scheme 2023. Collection method: clinical testing. Allele origin: germline.
Comment: The c.743C>T (p.A248V) alteration is located in exon 4 (coding exon 4) of the TUBB2A gene. This alteration results from a C to T substitution at nucleotide position 743, causing the alanine (A) at amino acid position 248 to be replaced by a valine (V). Based on data from the Genome Aggregation Database (gnomAD) database, the TUBB2A c.743C>T alteration was observed in 0.03% (87/252926) of total alleles studied, with a frequency of 0.37% (68/18432) in the African subpopulation; however, this data may be an unreliable mismapping artefact (Ragoussis, 2021). Based on insufficient or conflicting evidence, the clinical significance of this alteration remains unclear.

Baylor Genetics
Classification: Pathogenic for Complex cortical dysplasia with other brain malformations 5. Last evaluated: 2019-11-25. Review status: criteria provided, single submitter. Criteria: ACMG Guidelines, 2015. Collection method: clinical testing. Allele origin: unknown. Affected: yes.
Comment: This variant was determined to be pathogenic according to ACMG Guidelines, 2015 [PMID:25741868].

Institute of Human Genetics Munich, TUM University Hospital
Classification: Pathogenic for Complex cortical dysplasia with other brain malformations 5. Last evaluated: 2019-06-11. Review status: criteria provided, single submitter. Criteria: Classification criteria August 2017. Collection method: clinical testing. Allele origin: de novo. Inheritance: Autosomal dominant inheritance. Affected: yes. Observed: 1 heterozygote.

NeuroMeGen, Hospital Clinico Santiago de Compostela
Classification: Likely pathogenic for Complex cortical dysplasia with other brain malformations 5. Last evaluated: 2018-01-01. Review status: criteria provided, single submitter. Criteria: ACMG Guidelines, 2015. Collection method: clinical testing. Allele origin: de novo. Affected: yes. Observed: 1 heterozygote.

OMIM
Classification: Pathogenic for CORTICAL DYSPLASIA, COMPLEX, WITH OTHER BRAIN MALFORMATIONS 5. Last evaluated: 2014-04-03. Review status: no assertion criteria provided. Collection method: literature only. Allele origin: germline. Not counted in ClinVar's aggregate classification.

Genomic Diagnostic Laboratory, Division of Genomic Diagnostics, Children's Hospital of Philadelphia
Classification: Likely benign. Last evaluated: 2015-04-14. Review status: flagged submission. Criteria: DGD Variant Analysis Guidelines. Collection method: clinical testing. Allele origin: unknown. Not counted in ClinVar's aggregate classification.
ClinVar note: Reason: Older and outlier claim with insufficient supporting evidence

Literature cited by the submitters: PubMed 33547136 (cited by 3 submitters); PubMed 24702957 (cited by 6 submitters); PubMed 28840640 (cited by 3billion and Ambry Genetics); PubMed 32203252 (cited by 4 submitters); PubMed 29547997 (cited by 3 submitters); PubMed 27770045 (cited by 3 submitters); PubMed 32571897 (cited by Labcorp Genetics (formerly Invitae), Labcorp and Ambry Genetics).

NM_001069.3(TUBB2A):c.743C>T (p.Ala248Val)

Gene: TUBB2A (tubulin beta 2A class IIa; minus strand). Cytogenetic location: 6p25.2.
Variant type: single nucleotide variant.
Coding change: c.743C>T on transcript NM_001069.3 (MANE Select); coding-DNA position 743, C replaced by T.
Protein change: p.Ala248Val; replaces alanine 248 with valine.
Molecular consequence: missense variant.
Genome position (GRCh38, 1-based): chr6:3,154,458, G>A on the plus strand (C>T on the coding strand, the complement: TUBB2A is on the minus strand). VCF-style: chr6-3154458-G-A. GRCh37 (hg19) VCF-style: chr6-3154692-G-A.
Other names: c.488C>T, p.Ala163Val (NM_001310315.2); short protein forms A248V, A163V.
Identifiers: ClinVar variation 127101 (VCV000127101.33), dbSNP rs2808001, ClinGen allele CA151375.